The following is an entry in ClinVar:

NM_030928.4(CDT1):c.1560C>T (p.Tyr520=)

Gene: CDT1 (chromatin licensing and DNA replication factor 1; plus strand). Cytogenetic location: 16q24.3.
Variant type: single nucleotide variant.
Coding change: c.1560C>T on transcript NM_030928.4 (MANE Select); coding-DNA position 1560, C replaced by T.
Protein change: p.Tyr520=; no amino-acid change (tyrosine 520 retained).
Molecular consequence: synonymous variant.
Genome position (GRCh38, 1-based): chr16:88,808,197, C>T. VCF-style: chr16-88808197-C-T. GRCh37 (hg19) VCF-style: chr16-88874605-C-T.
Identifiers: ClinVar variation 2647011 (VCV002647011.25), dbSNP rs147914553, ClinGen allele CA8234237.

ClinVar aggregate classification (germline): Likely benign. Review status: criteria provided, multiple submitters, no conflicts (2 of 4 stars). 2 submissions from 2 submitters: Likely benign (2). Last evaluated 2025-08-25.

Allele frequency attached by ClinVar (database versions not stated): ExAC 0.00007; 1000 Genomes Project 30x 0.00016; 1000 Genomes Project 0.00020.
gnomAD v4.1: 44 of 1,612,760 alleles (0.0027%); highest among the groups gnomAD compares: East Asian, 0.06%; no homozygotes.

Submissions (2):

Labcorp Genetics (formerly Invitae), Labcorp
Classification: Likely benign. Last evaluated: 2025-08-25. Review status: criteria provided, single submitter. Criteria: Invitae Variant Classification Sherloc (09022015). Collection method: clinical testing. Allele origin: germline.

CeGaT Center for Human Genetics Tuebingen
Classification: Likely benign. Last evaluated: 2022-07-01. Review status: criteria provided, single submitter. Criteria: CeGaT Center For Human Genetics Tuebingen Variant Classification Criteria Version 2. Collection method: clinical testing. Allele origin: germline. Affected: yes. Observed: 1 variant allele.
Comment: CDT1: BP4, BP7